The following is an entry in ClinVar:

ClinVar aggregate classification (germline): Likely benign (1 of 4 stars; one submission).

Allele frequency attached by ClinVar (database versions not stated): TOPMed below 0.00001; ExAC 0.00002; gnomAD 0.00001; gnomAD exomes 0.00002.
gnomAD v4.1: 30 of 1,614,124 alleles (0.0019%); highest among the groups gnomAD compares: Admixed American, 0.0083%; no homozygotes.

Submission:

GeneDx
Classification: Likely benign. Last evaluated: 2016-08-08. Review status: criteria provided, single submitter. Criteria: GeneDx Variant Classification (06012015). Collection method: clinical testing. Allele origin: germline. Affected: yes.
Comment: This variant is considered likely benign or benign based on one or more of the following criteria: it is a conservative change, it occurs at a poorly conserved position in the protein, it is predicted to be benign by multiple in silico algorithms, and/or has population frequency not consistent with disease.

NM_020320.5(RARS2):c.-12G>A

Gene: RARS2 (arginyl-tRNA synthetase 2, mitochondrial; minus strand). Cytogenetic location: 6q15.
Variant type: single nucleotide variant.
Coding change: c.-12G>A on transcript NM_020320.5 (MANE Select); 12 bases upstream of the start codon, G replaced by A.
Molecular consequence: 5 prime UTR variant. On other transcripts: non-coding transcript variant (23).
Genome position (GRCh38, 1-based): chr6:87,589,969, C>T on the plus strand (G>A on the coding strand, the complement: RARS2 is on the minus strand). VCF-style: chr6-87589969-C-T. GRCh37 (hg19) VCF-style: chr6-88299687-C-T.
Other names: c.-702G>A (NM_001318785.2); c.-12G>A (NM_001350505.2); c.-758G>A (NM_001350506.2, NM_001350510.2); c.-881G>A (NM_001350507.2); c.-920G>A (NM_001350508.2); c.-628G>A (NM_001350509.2); c.-877G>A (NM_001350511.2).
Identifiers: ClinVar variation 388103 (VCV000388103.1), dbSNP rs768137659, ClinGen allele CA3916873.